The following is an entry in ClinVar:

NM_000255.4(MMUT):c.920dup (p.Phe308fs)

Gene: MMUT (methylmalonyl-CoA mutase; minus strand). Cytogenetic location: 6p12.3.
Variant type: Duplication.
Coding change: c.920dup on transcript NM_000255.4 (MANE Select); coding-DNA position 920, one base duplicated (T; older notation c.920dupT).
Protein change: p.Phe308fs; shifts the reading frame from phenylalanine 308.
Molecular consequence: frameshift variant.
Genome position (GRCh38, 1-based): chr6:49,453,748, A duplicated on the plus strand (T on the coding strand, the reverse complement: MMUT is on the minus strand); the first of 3 consecutive A bases (chr6:49,453,748-49,453,750); duplicating any one gives the same sequence. VCF-style (leftmost placement, unchanged base first): chr6-49453747-G-GA. GRCh37 (hg19) VCF-style: chr6-49421460-G-GA.
Other names: c.920dupT (NM_000255.4); short protein forms F308fs.
Identifiers: ClinVar variation 1935769 (VCV001935769.7), dbSNP rs1252295632, ClinGen allele CA567156023.

ClinVar aggregate classification (germline): Pathogenic. Review status: criteria provided, multiple submitters, no conflicts (2 of 4 stars). 2 submissions from 2 submitters: Pathogenic (2). Last evaluated 2025-01-21.

Conditions:
Methylmalonic acidemia (MMA). Also called: Isolated Methylmalonic Acidemia. Identifiers: MedGen C0268583, MeSH C537358, MONDO:0002012, HP:0002912.

Submissions (2):

Women's Health and Genetics/Laboratory Corporation of America, LabCorp
Classification: Pathogenic for Methylmalonic acidemia. Last evaluated: 2025-01-21. Review status: criteria provided, single submitter. Criteria: LabCorp Variant Classification Summary - May 2015. Collection method: clinical testing. Allele origin: germline.
Comment: Variant summary: MMUT c.920dupT (p.Phe308LeufsX19) results in a premature termination codon, predicted to cause a truncation of the encoded protein or absence of the protein due to nonsense mediated decay, which are commonly known mechanisms for disease. The variant allele was found at a frequency of 5e-06 in 1611874 control chromosomes. To our knowledge, no occurrence of c.920dupT in individuals affected with Methylmalonic Acidemia and no experimental evidence demonstrating its impact on protein function have been reported. ClinVar contains an entry for this variant (Variation ID: 1935769). Based on the evidence outlined above, the variant was classified as pathogenic.

Labcorp Genetics (formerly Invitae), Labcorp
Classification: Pathogenic. Last evaluated: 2024-09-10. Review status: criteria provided, single submitter. Criteria: Invitae Variant Classification Sherloc (09022015). Collection method: clinical testing. Allele origin: germline.
Comment: This sequence change creates a premature translational stop signal (p.Phe308Leufs*19) in the MUT gene. It is expected to result in an absent or disrupted protein product. Loss-of-function variants in MUT are known to be pathogenic (PMID: 15781192). This variant is present in population databases (no rsID available, gnomAD 0.007%). This variant has not been reported in the literature in individuals affected with MUT-related conditions. ClinVar contains an entry for this variant (Variation ID: 1935769). For these reasons, this variant has been classified as Pathogenic.

Literature cited by the submitters: PubMed 15781192 (cited by Labcorp Genetics (formerly Invitae), Labcorp).